The following is an entry in ClinVar:

ClinVar aggregate classification (germline): Uncertain significance. Review status: criteria provided, multiple submitters, no conflicts (2 of 4 stars). 2 submissions from 2 submitters: Uncertain significance (2). Last evaluated 2024-05-20.

Conditions:
Multiple endocrine neoplasia, type 1 (MEN1). Also called: MEN I; WERMER SYNDROME; Endocrine adenomatosis multiple; MEN 1; MEA I. Identifiers: Orphanet 652, MedGen C0025267, MeSH D018761, MONDO:0007540, OMIM 131100.
Hereditary cancer-predisposing syndrome. Also called: Tumor predisposition; Hereditary neoplastic syndrome; Neoplastic Syndromes, Hereditary; Hereditary Cancer Syndrome. Identifiers: Orphanet 140162, MedGen C0027672, MeSH D009386, MONDO:0015356.

Submissions (2):

Ambry Genetics
Classification: Uncertain significance for Hereditary cancer-predisposing syndrome. Last evaluated: 2024-05-20. Review status: criteria provided, single submitter. Criteria: Ambry Variant Classification Scheme 2023. Collection method: clinical testing. Allele origin: germline.
Comment: The p.A194G variant (also known as c.581C>G), located in coding exon 2 of the MEN1 gene, results from a C to G substitution at nucleotide position 581. The alanine at codon 194 is replaced by glycine, an amino acid with similar properties. This amino acid position is highly conserved in available vertebrate species. In addition, this alteration is predicted to be deleterious by in silico analysis. Based on the available evidence, the clinical significance of this variant remains unclear.

Labcorp Genetics (formerly Invitae), Labcorp
Classification: Uncertain significance for Multiple endocrine neoplasia, type 1. Last evaluated: 2021-06-06. Review status: criteria provided, single submitter. Criteria: Invitae Variant Classification Sherloc (09022015). Collection method: clinical testing. Allele origin: germline.
Comment: This sequence change replaces alanine with glycine at codon 194 of the MEN1 protein (p.Ala194Gly). The alanine residue is highly conserved and there is a small physicochemical difference between alanine and glycine. This variant is not present in population databases (ExAC no frequency). This variant has not been reported in the literature in individuals with MEN1-related conditions. Advanced modeling of protein sequence and biophysical properties (such as structural, functional, and spatial information, amino acid conservation, physicochemical variation, residue mobility, and thermodynamic stability) performed at Invitae indicates that this missense variant is expected to disrupt MEN1 protein function. Algorithms developed to predict the effect of sequence changes on RNA splicing suggest that this variant may create or strengthen a splice site, but this prediction has not been confirmed by published transcriptional studies. In summary, the available evidence is currently insufficient to determine the role of this variant in disease. Therefore, it has been classified as a Variant of Uncertain Significance.

NM_001370259.2(MEN1):c.581C>G (p.Ala194Gly)

Gene: MEN1 (menin 1; minus strand). Cytogenetic location: 11q13.1.
Variant type: single nucleotide variant.
Coding change: c.581C>G on transcript NM_001370259.2 (MANE Select); coding-DNA position 581, C replaced by G.
Protein change: p.Ala194Gly; replaces alanine 194 with glycine.
Molecular consequence: missense variant. On other transcripts: intron variant (2).
Genome position (GRCh38, 1-based): chr11:64,807,964, G>C on the plus strand (C>G on the coding strand, the complement: MEN1 is on the minus strand). VCF-style: chr11-64807964-G-C. GRCh37 (hg19) VCF-style: chr11-64575436-G-C.
Other names: c.581C>G (NM_130799.2); c.596C>G, p.Ala199Gly (NM_000244.4, NM_130800.3, NM_130801.3 and 3 more transcripts); c.581C>G, p.Ala194Gly (NM_001370251.2, NM_001370260.2, NM_001370261.2 and 1 more transcripts); c.549+32C>G (NM_001370263.2, NM_001370262.2); short protein forms A199G, A194G.
Identifiers: ClinVar variation 1500370 (VCV001500370.9), dbSNP rs2136152165, ClinGen allele CA381185621.